The following is an entry in ClinVar:

ClinVar aggregate classification (germline): Uncertain significance (1 of 4 stars; one submission).

Conditions:
Long QT syndrome (LQTS). Identifiers: MedGen C0023976, MeSH D008133, MONDO:0002442. Disease mechanism: loss of function. Inheritance: Various modes of inheritance.

Submission:

Labcorp Genetics (formerly Invitae), Labcorp
Classification: Uncertain significance for Long QT syndrome. Last evaluated: 2025-06-30. Review status: criteria provided, single submitter. Criteria: Invitae Variant Classification Sherloc (09022015). Collection method: clinical testing. Allele origin: germline.
Comment: This sequence change replaces histidine, which is basic and polar, with arginine, which is basic and polar, at codon 3695 of the AKAP9 protein (p.His3695Arg). This variant is not present in population databases (gnomAD no frequency). This variant has not been reported in the literature in individuals affected with AKAP9-related conditions. An algorithm developed to predict the effect of missense changes on protein structure and function (PolyPhen-2) suggests that this variant is likely to be tolerated. In summary, the available evidence is currently insufficient to determine the role of this variant in disease. Therefore, it has been classified as a Variant of Uncertain Significance.

NM_005751.5(AKAP9):c.11084A>G (p.His3695Arg)

Gene: AKAP9 (A-kinase anchoring protein 9; plus strand). Cytogenetic location: 7q21.2.
Variant type: single nucleotide variant.
Coding change: c.11084A>G on transcript NM_005751.5 (MANE Select); coding-DNA position 11084, A replaced by G.
Protein change: p.His3695Arg; replaces histidine 3695 with arginine.
Molecular consequence: missense variant.
Genome position (GRCh38, 1-based): chr7:92,101,043, A>G. VCF-style: chr7-92101043-A-G. GRCh37 (hg19) VCF-style: chr7-91730357-A-G.
Other names: c.5729A>G, p.His1910Arg (NM_001379277.1); c.11060A>G, p.His3687Arg (NM_147185.3); short protein forms H1910R, H3687R, H3695R.
Identifiers: ClinVar variation 4768536 (VCV004768536.1).